The following is an entry in ClinVar:

ClinVar aggregate classification (germline): Conflicting classifications of pathogenicity. Review status: criteria provided, conflicting classifications (1 of 4 stars). 3 submissions from 3 submitters: Uncertain significance (1); Likely benign (2). Last evaluated 2026-01-27.

Conditions:
Cardiovascular phenotype. Identifiers: MedGen CN230736.

Allele frequency attached by ClinVar (database versions not stated): gnomAD exomes 0.00005 and 0.00007; TOPMed 0.00006; gnomAD 0.00007 and 0.00008; ExAC 0.00008.
gnomAD v4.1: 84 of 1,613,980 alleles (0.0052%); highest among the groups gnomAD compares: African/African-American, 0.015%; no homozygotes.

Submissions (3):

Labcorp Genetics (formerly Invitae), Labcorp
Classification: Uncertain significance. Last evaluated: 2026-01-27. Review status: criteria provided, single submitter. Criteria: Invitae Variant Classification Sherloc (09022015). Collection method: clinical testing. Allele origin: germline.
Comment: This sequence change replaces serine, which is neutral and polar, with glycine, which is neutral and non-polar, at codon 1087 of the ALPK3 protein (p.Ser1087Gly). This variant is present in population databases (rs770595600, gnomAD 0.02%). This variant has not been reported in the literature in individuals affected with ALPK3-related conditions. ClinVar contains an entry for this variant (Variation ID: 1436824). Invitae Evidence Modeling of protein sequence and biophysical properties (such as structural, functional, and spatial information, amino acid conservation, physicochemical variation, residue mobility, and thermodynamic stability) indicates that this missense variant is not expected to disrupt ALPK3 protein function with a negative predictive value of 80%. In summary, the available evidence is currently insufficient to determine the role of this variant in disease. Therefore, it has been classified as a Variant of Uncertain Significance.

Ambry Genetics
Classification: Likely benign for Cardiovascular phenotype. Last evaluated: 2024-11-27. Review status: criteria provided, single submitter. Criteria: Ambry Variant Classification Scheme 2023. Collection method: clinical testing. Allele origin: germline.

Blueprint Genetics
Classification: Likely benign. Last evaluated: 2022-05-02. Review status: criteria provided, single submitter. Criteria: ACMG Guidelines, 2015. Collection method: clinical testing. Allele origin: germline.

NM_020778.5(ALPK3):c.2653A>G (p.Ser885Gly)

Gene: ALPK3 (alpha kinase 3; plus strand). Cytogenetic location: 15q25.3.
Variant type: single nucleotide variant.
Coding change: c.2653A>G on transcript NM_020778.5 (MANE Select); coding-DNA position 2653, A replaced by G.
Protein change: p.Ser885Gly; replaces serine 885 with glycine.
Molecular consequence: missense variant.
Genome position (GRCh38, 1-based): chr15:84,857,391, A>G. VCF-style: chr15-84857391-A-G. GRCh37 (hg19) VCF-style: chr15-85400622-A-G.
Other names: short protein forms S885G.
Identifiers: ClinVar variation 1436824 (VCV001436824.10), dbSNP rs770595600, ClinGen allele CA7709465.